The following is an entry in ClinVar:

ClinVar aggregate classification (germline): Uncertain significance (1 of 4 stars; one submission).

Submission:

GeneDx
Classification: Uncertain significance. Last evaluated: 2022-02-14. Review status: criteria provided, single submitter. Criteria: GeneDx Variant Classification Process June 2021. Collection method: clinical testing. Allele origin: germline. Affected: yes.
Comment: Not observed at significant frequency in large population cohorts (gnomAD); In silico analysis supports that this missense variant does not alter protein structure/function; Has not been previously published as pathogenic or benign to our knowledge

NM_014712.3(SETD1A):c.3652G>T (p.Val1218Phe)

Gene: SETD1A (SET domain containing 1A, histone lysine methyltransferase; plus strand). Cytogenetic location: 16p11.2.
Variant type: single nucleotide variant.
Coding change: c.3652G>T on transcript NM_014712.3 (MANE Select); coding-DNA position 3652, G replaced by T.
Protein change: p.Val1218Phe; replaces valine 1218 with phenylalanine.
Molecular consequence: missense variant.
Genome position (GRCh38, 1-based): chr16:30,979,438, G>T. VCF-style: chr16-30979438-G-T. GRCh37 (hg19) VCF-style: chr16-30990759-G-T.
Other names: short protein forms V1218F.
Identifiers: ClinVar variation 1700986 (VCV001700986.2), dbSNP rs2143578037, ClinGen allele CA395627607.